The following is an entry in ClinVar:

ClinVar aggregate classification (germline): Uncertain significance (1 of 4 stars; one submission).

Allele frequency attached by ClinVar (database versions not stated): gnomAD exomes below 0.00001 and 0.00001; TOPMed below 0.00001; ExAC 0.00001; gnomAD 0.00001; 1000 Genomes Project 30x 0.00031; 1000 Genomes Project 0.00040.
gnomAD v4.1: 5 of 1,614,152 alleles (0.00031%); highest among the groups gnomAD compares: East Asian, 0.0089%; no homozygotes.

Submission:

Labcorp Genetics (formerly Invitae), Labcorp
Classification: Uncertain significance. Last evaluated: 2022-06-27. Review status: criteria provided, single submitter. Criteria: Invitae Variant Classification Sherloc (09022015). Collection method: clinical testing. Allele origin: germline.
Comment: In summary, the available evidence is currently insufficient to determine the role of this variant in disease. Therefore, it has been classified as a Variant of Uncertain Significance. Algorithms developed to predict the effect of missense changes on protein structure and function are either unavailable or do not agree on the potential impact of this missense change (SIFT: "Not Available"; PolyPhen-2: "Benign"; Align-GVGD: "Not Available"). This variant has not been reported in the literature in individuals affected with CEP250-related conditions. This variant is present in population databases (rs535076676, gnomAD 0.01%). This sequence change replaces alanine, which is neutral and non-polar, with threonine, which is neutral and polar, at codon 384 of the CEP250 protein (p.Ala384Thr).

NM_007186.6(CEP250):c.1150G>A (p.Ala384Thr)

Genes: CEP250 (centrosomal protein 250; plus strand), CEP250-AS1 (CEP250 antisense RNA 1; minus strand). Cytogenetic location: 20q11.22.
Variant type: single nucleotide variant.
Coding change: c.1150G>A on transcript NM_007186.6 (MANE Select); coding-DNA position 1150, G replaced by A.
Protein change: p.Ala384Thr; replaces alanine 384 with threonine.
Molecular consequence: missense variant. On other transcripts: 5 prime UTR variant (1).
Genome position (GRCh38, 1-based): chr20:35,472,772, G>A. VCF-style: chr20-35472772-G-A. GRCh37 (hg19) VCF-style: chr20-34060597-G-A.
Other names: c.-750G>A (NM_001318219.1); short protein forms A384T.
Identifiers: ClinVar variation 1522030 (VCV001522030.6), dbSNP rs535076676, ClinGen allele CA9832825.